The following is an entry in ClinVar:

ClinVar aggregate classification (germline): Uncertain significance (1 of 4 stars; one submission).

Conditions:
Aortic aneurysm, familial thoracic 7 (AAT7). Also called: AORTIC DISSECTION, FAMILIAL, WITH OR WITHOUT AORTIC ANEURYSM. Identifiers: MedGen C3151077, MONDO:0013418, OMIM 613780.

Allele frequency attached by ClinVar (database versions not stated): ExAC below 0.00001; gnomAD exomes below 0.00001 and 0.00001; gnomAD 0.00001; TOPMed 0.00002; ESP Exome Variant Server 0.00008.

Submission:

Labcorp Genetics (formerly Invitae), Labcorp
Classification: Uncertain significance for Aortic aneurysm, familial thoracic 7. Last evaluated: 2024-04-17. Review status: criteria provided, single submitter. Criteria: Invitae Variant Classification Sherloc (09022015). Collection method: clinical testing. Allele origin: germline.
Comment: This sequence change replaces alanine, which is neutral and non-polar, with valine, which is neutral and non-polar, at codon 886 of the MYLK protein (p.Ala886Val). This variant is present in population databases (rs140989388, gnomAD 0.007%). This variant has not been reported in the literature in individuals affected with MYLK-related conditions. ClinVar contains an entry for this variant (Variation ID: 1007067). Advanced modeling of protein sequence and biophysical properties (such as structural, functional, and spatial information, amino acid conservation, physicochemical variation, residue mobility, and thermodynamic stability) performed at Invitae indicates that this missense variant is not expected to disrupt MYLK protein function with a negative predictive value of 80%. In summary, the available evidence is currently insufficient to determine the role of this variant in disease. Therefore, it has been classified as a Variant of Uncertain Significance.

NM_053025.4(MYLK):c.2657C>T (p.Ala886Val)

Gene: MYLK (myosin light chain kinase; minus strand). Cytogenetic location: 3q21.1.
Variant type: single nucleotide variant.
Coding change: c.2657C>T on transcript NM_053025.4 (MANE Select); coding-DNA position 2657, C replaced by T.
Protein change: p.Ala886Val; replaces alanine 886 with valine.
Molecular consequence: missense variant.
Genome position (GRCh38, 1-based): chr3:123,700,811, G>A on the plus strand (C>T on the coding strand, the complement: MYLK is on the minus strand). VCF-style: chr3-123700811-G-A. GRCh37 (hg19) VCF-style: chr3-123419658-G-A.
Other names: c.2129C>T, p.Ala710Val (NM_001321309.2); c.2450C>T, p.Ala817Val (NM_053026.4, NM_053028.4); c.2657C>T, p.Ala886Val (NM_053027.4); short protein forms A710V, A817V, A886V.
Identifiers: ClinVar variation 1007067 (VCV001007067.7), dbSNP rs140989388, ClinGen allele CA068837.